The following is an entry in ClinVar:

ClinVar aggregate classification (germline): Benign/Likely benign. Review status: criteria provided, multiple submitters, no conflicts (2 of 4 stars). 6 submissions from 6 submitters: Benign (5); Likely benign (1). Last evaluated 2026-02-04.

Conditions:
Marfan syndrome (MFS). Also called: MARFAN SYNDROME, TYPE I; FBN1-Related Marfan Syndrome; Marfan syndrome, classic; Marfan syndrome type 1; Marfan's syndrome. Identifiers: Orphanet 284963, Orphanet 558, MedGen C0024796, MONDO:0007947, OMIM 154700.
Familial thoracic aortic aneurysm and aortic dissection (TAAD). Also called: Thoracic aortic aneurysms and dissections. Identifiers: Orphanet 91387, MedGen C4707243, MONDO:0019625.

Submissions (6):

Labcorp Genetics (formerly Invitae), Labcorp
Classification: Benign for Marfan syndrome; Familial thoracic aortic aneurysm and aortic dissection. Last evaluated: 2026-02-04. Review status: criteria provided, single submitter. Criteria: Invitae Variant Classification Sherloc (09022015). Collection method: clinical testing. Allele origin: germline.

ARUP Laboratories, Molecular Genetics and Genomics, ARUP Laboratories
Classification: Benign. Last evaluated: 2025-05-29. Review status: criteria provided, single submitter. Criteria: ARUP Molecular Germline Variant Investigation Process 2024. Collection method: clinical testing. Allele origin: germline.

Blueprint Genetics
Classification: Likely benign. Last evaluated: 2024-11-27. Review status: criteria provided, single submitter. Criteria: ACMG Guidelines, 2015. Collection method: clinical testing. Allele origin: germline.

Women's Health and Genetics/Laboratory Corporation of America, LabCorp
Classification: Benign. Last evaluated: 2019-09-16. Review status: criteria provided, single submitter. Criteria: LabCorp Variant Classification Summary - May 2015. Collection method: clinical testing. Allele origin: germline.
Comment: Variant summary: FBN1 c.737-21_737-20delCT alters a conserved nucleotide located close to a canonical splice site and therefore could affect mRNA splicing, leading to a significantly altered protein sequence. 5/5 computational tools predict no significant impact on normal splicing. However, these predictions have yet to be confirmed by functional studies. The variant allele was found at a frequency of 0.03 in 222242 control chromosomes in the gnomAD database, including 47 homozygotes. The observed variant frequency is approximately 263- fold the estimated maximal allele frequency expected for a pathogenic variant in FBN1 causing Aortopathy phenotype (0.00011), strongly suggesting that the variant is benign. To our knowledge, no occurrence of c.737-21_737-20delCT in individuals affected with Aortopathy and no experimental evidence demonstrating an impact on protein function have been reported. Two other clinical diagnostic laboratories have submitted clinical-significance assessments for this variant to ClinVar after 2014 without evidence for independent evaluation. Both laboratories cited the variant as benign. Based on the evidence outlined above, the variant was classified as benign.

GeneDx
Classification: Benign. Last evaluated: 2018-06-12. Review status: criteria provided, single submitter. Criteria: GeneDx Variant Classification Process June 2021. Collection method: clinical testing. Allele origin: germline. Affected: yes.

PreventionGenetics, part of Exact Sciences
Classification: Benign. Review status: criteria provided, single submitter. Criteria: ACMG Guidelines, 2015. Collection method: clinical testing. Allele origin: germline.

NM_000138.5(FBN1):c.737-25CT[2]

Gene: FBN1 (fibrillin 1; minus strand). Cytogenetic location: 15q21.1.
Variant type: Microsatellite.
Coding change: c.737-25CT[2] on transcript NM_000138.5 (MANE Select); two copies in a row of the 2-base unit CT starting at c.737-25; the reference has three copies in a row; one copy, 2 bases deleted.
Molecular consequence: intron variant.
Genome position (GRCh38, 1-based): chr15:48,534,225-48,534,226, AG deleted on the plus strand (CT on the coding strand, the reverse complement: FBN1 is on the minus strand); deleting any 2 consecutive bases within chr15:48,534,225-48,534,231 gives the same sequence; the position shown is the placement nearest the transcript's 3' end. VCF-style (leftmost placement, unchanged base first): chr15-48534224-CAG-C. GRCh37 (hg19) VCF-style: chr15-48826421-CAG-C.
Other names: c.737-21_737-20delCT (NM_000138.4).
Identifiers: ClinVar variation 255309 (VCV000255309.27), dbSNP rs72041020, ClinGen allele CA7547947.